The following is an entry in ClinVar:

ClinVar aggregate classification (germline): Uncertain significance (1 of 4 stars; one submission).

gnomAD v4.1: 8 of 1,595,016 alleles (0.0005%); highest among the groups gnomAD compares: Non-Finnish European, 0.00069%; no homozygotes.

Submission:

Labcorp Genetics (formerly Invitae), Labcorp
Classification: Uncertain significance. Last evaluated: 2022-05-31. Review status: criteria provided, single submitter. Criteria: Invitae Variant Classification Sherloc (09022015). Collection method: clinical testing. Allele origin: germline.
Comment: This sequence change replaces histidine, which is basic and polar, with glutamine, which is neutral and polar, at codon 1442 of the KMT2A protein (p.His1442Gln). This variant is not present in population databases (gnomAD no frequency). This variant has not been reported in the literature in individuals affected with KMT2A-related conditions. Advanced modeling of protein sequence and biophysical properties (such as structural, functional, and spatial information, amino acid conservation, physicochemical variation, residue mobility, and thermodynamic stability) performed at Invitae indicates that this missense variant is not expected to disrupt KMT2A protein function. In summary, the available evidence is currently insufficient to determine the role of this variant in disease. Therefore, it has been classified as a Variant of Uncertain Significance.

NM_001197104.2(KMT2A):c.4326T>A (p.His1442Gln)

Gene: KMT2A (lysine methyltransferase 2A; plus strand). Cytogenetic location: 11q23.3.
Variant type: single nucleotide variant.
Coding change: c.4326T>A on transcript NM_001197104.2 (MANE Select); coding-DNA position 4326, T replaced by A.
Protein change: p.His1442Gln; replaces histidine 1442 with glutamine.
Molecular consequence: missense variant.
Genome position (GRCh38, 1-based): chr11:118,484,969, T>A. VCF-style: chr11-118484969-T-A. GRCh37 (hg19) VCF-style: chr11-118355684-T-A.
Other names: c.4425T>A, p.His1475Gln (NM_001412597.1); c.4326T>A, p.His1442Gln (NM_005933.4); short protein forms H1475Q, H1442Q.
Identifiers: ClinVar variation 2073244 (VCV002073244.4), dbSNP rs141961986, ClinGen allele CA382831072.